The following is an entry in ClinVar:

ClinVar aggregate classification (germline): Uncertain significance. Review status: criteria provided, multiple submitters, no conflicts (2 of 4 stars). 2 submissions from 2 submitters: Uncertain significance (2). Last evaluated 2025-02-05.

Conditions:
Hereditary cancer-predisposing syndrome. Also called: Hereditary Cancer Syndrome; Tumor predisposition; Neoplastic Syndromes, Hereditary; Hereditary neoplastic syndrome. Identifiers: Orphanet 140162, MedGen C0027672, MeSH D009386, MONDO:0015356.
Peutz-Jeghers syndrome (PJS). Also called: POLYPOSIS, HAMARTOMATOUS INTESTINAL; POLYPS-AND-SPOTS SYNDROME; Peutz-Jeghers polyposis; Periorificial lentiginosis syndrome. Identifiers: Orphanet 2869, MedGen C0031269, MeSH D010580, MONDO:0008280, OMIM 175200.

Allele frequency attached by ClinVar (database versions not stated): gnomAD exomes below 0.00001; TOPMed 0.00001.

Submissions (2):

Labcorp Genetics (formerly Invitae), Labcorp
Classification: Uncertain significance for Peutz-Jeghers syndrome. Last evaluated: 2025-02-05. Review status: criteria provided, single submitter. Criteria: Invitae Variant Classification Sherloc (09022015). Collection method: clinical testing. Allele origin: germline.
Comment: This sequence change replaces lysine, which is basic and polar, with arginine, which is basic and polar, at codon 175 of the STK11 protein (p.Lys175Arg). This variant is not present in population databases (gnomAD no frequency). This variant has not been reported in the literature in individuals affected with STK11-related conditions. ClinVar contains an entry for this variant (Variation ID: 651093). Invitae Evidence Modeling of protein sequence and biophysical properties (such as structural, functional, and spatial information, amino acid conservation, physicochemical variation, residue mobility, and thermodynamic stability) has been performed for this missense variant. However, the output from this modeling did not meet the statistical confidence thresholds required to predict the impact of this variant on STK11 protein function. In summary, the available evidence is currently insufficient to determine the role of this variant in disease. Therefore, it has been classified as a Variant of Uncertain Significance.

Ambry Genetics
Classification: Uncertain significance for Hereditary cancer-predisposing syndrome. Last evaluated: 2024-07-19. Review status: criteria provided, single submitter. Criteria: Ambry Variant Classification Scheme 2023. Collection method: clinical testing. Allele origin: germline.
Comment: The p.K175R variant (also known as c.524A>G), located in coding exon 4 of the STK11 gene, results from an A to G substitution at nucleotide position 524. The lysine at codon 175 is replaced by arginine, an amino acid with highly similar properties. This amino acid position is highly conserved in available vertebrate species. In addition, the in silico prediction for this alteration is inconclusive. Based on the available evidence, the clinical significance of this variant remains unclear.

NM_000455.5(STK11):c.524A>G (p.Lys175Arg)

Gene: STK11 (serine/threonine kinase 11; plus strand). Cytogenetic location: 19p13.3.
Variant type: single nucleotide variant.
Coding change: c.524A>G on transcript NM_000455.5 (MANE Select); coding-DNA position 524, A replaced by G.
Protein change: p.Lys175Arg; replaces lysine 175 with arginine.
Molecular consequence: missense variant.
Genome position (GRCh38, 1-based): chr19:1,220,432, A>G. VCF-style: chr19-1220432-A-G. GRCh37 (hg19) VCF-style: chr19-1220431-A-G.
Other names: short protein forms K175R.
Identifiers: ClinVar variation 651093 (VCV000651093.14), dbSNP rs1599926514, ClinGen allele CA402948994.
Genomic context (GRCh38, chr19:1,220,432, plus strand): 5'-GGTACTTCTGTCAGCTGATTGACGGCCTGGAGTACCTGCATAGCCAGGGCATTGTGCACA[A>G]GGACATCAAGCCGGGGAACCTGCTGCTCACCACCGGTGGCACCCTCAAAATCTCCGACCT-3'
Protein context (NP_000446.1, residues 165-185): EYLHSQGIVH[Lys175Arg]DIKPGNLLLT